The following is an entry in ClinVar:

NM_017882.3(CLN6):c.866A>G (p.Lys289Arg)

Gene: CLN6 (CLN6 transmembrane ER protein; minus strand). Cytogenetic location: 15q23.
Variant type: single nucleotide variant.
Coding change: c.866A>G on transcript NM_017882.3 (MANE Select); coding-DNA position 866, A replaced by G.
Protein change: p.Lys289Arg; replaces lysine 289 with arginine.
Molecular consequence: missense variant.
Genome position (GRCh38, 1-based): chr15:68,208,210, T>C on the plus strand (A>G on the coding strand, the complement: CLN6 is on the minus strand). VCF-style: chr15-68208210-T-C. GRCh37 (hg19) VCF-style: chr15-68500548-T-C.
Other names: c.962A>G, p.Lys321Arg (NM_001411068.1); short protein forms K289R, K321R.
Identifiers: ClinVar variation 1707855 (VCV001707855.2), dbSNP rs2505401254, ClinGen allele CA392971706.

ClinVar aggregate classification (germline): Uncertain significance (1 of 4 stars; one submission).

Submission:

GeneDx
Classification: Uncertain significance. Last evaluated: 2022-03-28. Review status: criteria provided, single submitter. Criteria: GeneDx Variant Classification Process June 2021. Collection method: clinical testing. Allele origin: germline. Affected: yes.
Comment: Not observed at significant frequency in large population cohorts (gnomAD); In silico analysis supports that this missense variant does not alter protein structure/function; Has not been previously published as pathogenic or benign to our knowledge